The following is an entry in ClinVar:

ClinVar aggregate classification (germline): Uncertain significance. Review status: criteria provided, multiple submitters, no conflicts (2 of 4 stars). 2 submissions from 2 submitters: Uncertain significance (2). Last evaluated 2025-02-07.

Conditions:
Autosomal recessive severe congenital neutropenia due to CSF3R deficiency. Also called: Neutropenia, severe congenital, 7, autosomal recessive. Identifiers: Orphanet 420702, MedGen C4310764, MONDO:0014865, OMIM 617014.
Inborn genetic diseases. Identifiers: MedGen C0950123, MeSH D030342.

Allele frequency attached by ClinVar (database versions not stated): ExAC 0.00002; gnomAD exomes 0.00004; gnomAD 0.00007 and 0.00008; TOPMed 0.00011.
gnomAD v4.1: 25 of 1,613,554 alleles (0.0015%); highest among the groups gnomAD compares: African/African-American, 0.032%; no homozygotes.

Submissions (2):

Ambry Genetics
Classification: Uncertain significance for Inborn genetic diseases. Last evaluated: 2025-02-07. Review status: criteria provided, single submitter. Criteria: Ambry Variant Classification Scheme 2023. Collection method: clinical testing. Allele origin: germline.

Labcorp Genetics (formerly Invitae), Labcorp
Classification: Uncertain significance for Autosomal recessive severe congenital neutropenia due to CSF3R deficiency. Last evaluated: 2023-10-13. Review status: criteria provided, single submitter. Criteria: Invitae Variant Classification Sherloc (09022015). Collection method: clinical testing. Allele origin: germline.
Comment: This sequence change replaces arginine, which is basic and polar, with threonine, which is neutral and polar, at codon 495 of the CSF3R protein (p.Arg495Thr). This variant is present in population databases (rs769045336, gnomAD 0.04%). This variant has not been reported in the literature in individuals affected with CSF3R-related conditions. ClinVar contains an entry for this variant (Variation ID: 1407060). Advanced modeling of protein sequence and biophysical properties (such as structural, functional, and spatial information, amino acid conservation, physicochemical variation, residue mobility, and thermodynamic stability) performed at Invitae indicates that this missense variant is not expected to disrupt CSF3R protein function. In summary, the available evidence is currently insufficient to determine the role of this variant in disease. Therefore, it has been classified as a Variant of Uncertain Significance.

NM_000760.4(CSF3R):c.1484G>C (p.Arg495Thr)

Gene: CSF3R (colony stimulating factor 3 receptor; minus strand). Cytogenetic location: 1p34.3.
Variant type: single nucleotide variant.
Coding change: c.1484G>C on transcript NM_000760.4 (MANE Select); coding-DNA position 1484, G replaced by C.
Protein change: p.Arg495Thr; replaces arginine 495 with threonine.
Molecular consequence: missense variant.
Genome position (GRCh38, 1-based): chr1:36,469,248, C>G on the plus strand (G>C on the coding strand, the complement: CSF3R is on the minus strand). VCF-style: chr1-36469248-C-G. GRCh37 (hg19) VCF-style: chr1-36934849-C-G.
Other names: c.1484G>C, p.Arg495Thr (NM_156039.3, NM_172313.3); c.1484G>C (NM_000760.3); short protein forms R495T.
Identifiers: ClinVar variation 1407060 (VCV001407060.9), dbSNP rs769045336, ClinGen allele CA769164.